The following is an entry in ClinVar:

NM_000081.4(LYST):c.5881C>T (p.Gln1961Ter)

Gene: LYST (lysosomal trafficking regulator; minus strand). Cytogenetic location: 1q42.3.
Variant type: single nucleotide variant.
Coding change: c.5881C>T on transcript NM_000081.4 (MANE Select); coding-DNA position 5881, C replaced by T.
Protein change: p.Gln1961Ter; replaces glutamine 1961 with a stop codon.
Molecular consequence: nonsense.
Genome position (GRCh38, 1-based): chr1:235,770,201, G>A on the plus strand (C>T on the coding strand, the complement: LYST is on the minus strand). VCF-style: chr1-235770201-G-A. GRCh37 (hg19) VCF-style: chr1-235933501-G-A.
Other names: c.5881C>T, p.Gln1961Ter (NM_001301365.1); short protein forms Q1961*.
Identifiers: ClinVar variation 2728707 (VCV002728707.3), dbSNP rs1668533101, ClinGen allele CA344949721.
Genomic context (GRCh38, chr1:235,770,201, plus strand): 5'-AAAGTTACATGAAAAGTACCTGCAAAACCTGACAAGTCAGTAGAAAGTGATGAACCACTT[G>A]AGCTTTCAATAACTGCTTAATATTAAACATCTGCTGGTGGTGATCTGCTCTGATGAGGAC-3'

ClinVar aggregate classification (germline): Pathogenic (1 of 4 stars; one submission).

Conditions:
Chédiak-Higashi syndrome (CHS). Also called: Chediak-Higashi Syndrome. Identifiers: Orphanet 167, MedGen C0007965, MONDO:0008963, OMIM 214500.

Submission:

Labcorp Genetics (formerly Invitae), Labcorp
Classification: Pathogenic for Chédiak-Higashi syndrome. Last evaluated: 2023-05-09. Review status: criteria provided, single submitter. Criteria: Invitae Variant Classification Sherloc (09022015). Collection method: clinical testing. Allele origin: germline.
Comment: For these reasons, this variant has been classified as Pathogenic. Algorithms developed to predict the effect of sequence changes on RNA splicing suggest that this variant may disrupt the consensus splice site. This variant has not been reported in the literature in individuals affected with LYST-related conditions. This variant is not present in population databases (gnomAD no frequency). This sequence change creates a premature translational stop signal (p.Gln1961*) in the LYST gene. It is expected to result in an absent or disrupted protein product. Loss-of-function variants in LYST are known to be pathogenic (PMID: 9215679, 11857544).

Literature cited by the submitters: PubMed 9215679; PubMed 11857544.